The following is an entry in ClinVar:

ClinVar aggregate classification (germline): Likely benign (1 of 4 stars; one submission).

gnomAD v4.1: 1 of 1,597,790 alleles (0.000063%); no homozygotes.

Submission:

CeGaT Center for Human Genetics Tuebingen
Classification: Likely benign. Last evaluated: 2025-05-01. Review status: criteria provided, single submitter. Criteria: CeGaT Center For Human Genetics Tuebingen Variant Classification Criteria Version 2. Collection method: clinical testing. Allele origin: germline. Affected: yes. Observed: 1 variant allele.
Comment: RERE: BP4, BP7

NM_001042681.2(RERE):c.4116C>T (p.Asn1372=)

Gene: RERE (arginine-glutamic acid dipeptide repeats; minus strand). Cytogenetic location: 1p36.23.
Variant type: single nucleotide variant.
Coding change: c.4116C>T on transcript NM_001042681.2 (MANE Select); coding-DNA position 4116, C replaced by T.
Protein change: p.Asn1372=; no amino-acid change (asparagine 1372 retained).
Molecular consequence: synonymous variant.
Genome position (GRCh38, 1-based): chr1:8,358,419, G>A on the plus strand (C>T on the coding strand, the complement: RERE is on the minus strand). VCF-style: chr1-8358419-G-A. GRCh37 (hg19) VCF-style: chr1-8418479-G-A.
Other names: c.2454C>T, p.Asn818= (NM_001042682.2); c.4116C>T, p.Asn1372= (NM_012102.4).
Identifiers: ClinVar variation 3905757 (VCV003905757.10).
Genomic context (GRCh38, chr1:8,358,419, plus strand): 5'-GTAGCTCATCTCGGGCCGCAGCTGGGGGCCCGCCAGGGCCAGTCTCTCCCTCTCCAAGGG[G>A]TTCAGGCCCGGGTGGAAAGAAGCAAAAGGGTGGGGCCCGGCGGTCGGGGGGATGGTGAGG-3'
Protein context (NP_001036146.1, residues 1362-1382): HPFASFHPGL[Asn1372=]PLERERLALA